The following is an entry in ClinVar:

ClinVar aggregate classification (germline): Pathogenic (1 of 4 stars; one submission).

Conditions:
Primary ciliary dyskinesia. Also called: Ciliary dyskinesia. Identifiers: Orphanet 244, MedGen C0008780, MONDO:0016575, HP:0012265.

Submission:

Labcorp Genetics (formerly Invitae), Labcorp
Classification: Pathogenic for Primary ciliary dyskinesia. Last evaluated: 2021-02-02. Review status: criteria provided, single submitter. Criteria: Invitae Variant Classification Sherloc (09022015). Collection method: clinical testing. Allele origin: germline.
Comment: This variant has not been reported in the literature in individuals with DNAH8-related conditions. For these reasons, this variant has been classified as Pathogenic. This variant is not present in population databases (ExAC no frequency). This sequence change creates a premature translational stop signal (p.Lys3100Glyfs*7) in the DNAH8 gene. It is expected to result in an absent or disrupted protein product. Loss-of-function variants in DNAH8 are known to be pathogenic (PMID: 24307375).

Literature cited by the submitters: PubMed 24307375.

NM_001206927.2(DNAH8):c.9298_9305del (p.Lys3100fs)

Gene: DNAH8 (dynein axonemal heavy chain 8; plus strand). Cytogenetic location: 6p21.2.
Variant type: Deletion.
Coding change: c.9298_9305del on transcript NM_001206927.2 (MANE Select); coding-DNA positions 9298 to 9305, 8 bases deleted (AAAGATGA; older notation c.9298_9305delAAAGATGA).
Protein change: p.Lys3100fs; shifts the reading frame from lysine 3100.
Molecular consequence: frameshift variant.
Genome position (GRCh38, 1-based): chr6:38,906,357-38,906,364, AAAGATGA deleted; deleting any 8 consecutive bases within chr6:38,906,356-38,906,364 gives the same sequence; the c. name uses the placement nearest the transcript's 3' end. VCF-style (leftmost placement, unchanged base first): chr6-38906355-TAAAAGATG-T. GRCh37 (hg19) VCF-style: chr6-38874131-TAAAAGATG-T.
Other names: c.8647_8654del, p.Lys2883fs (NM_001371.4); short protein forms K2883fs, K3100fs.
Identifiers: ClinVar variation 1409915 (VCV001409915.6), dbSNP rs2150520528, ClinGen allele CA2573140305.